The following is an entry in ClinVar:

ClinVar aggregate classification (germline): Uncertain significance (1 of 4 stars; one submission).

Conditions:
Lethal congenital glycogen storage disease of heart. Also called: GLYCOGEN STORAGE DISEASE OF HEART; PHOSPHORYLASE KINASE DEFICIENCY OF HEART. Identifiers: Orphanet 439854, MedGen C1849813, MONDO:0009867, OMIM 261740.

Allele frequency attached by ClinVar (database versions not stated): gnomAD exomes below 0.00001.
gnomAD v4.1: 1 of 1,614,078 alleles (0.000062%); highest among the groups gnomAD compares: Non-Finnish European, 0.000085%; no homozygotes.

Submission:

Labcorp Genetics (formerly Invitae), Labcorp
Classification: Uncertain significance for Lethal congenital glycogen storage disease of heart. Last evaluated: 2021-08-28. Review status: criteria provided, single submitter. Criteria: Invitae Variant Classification Sherloc (09022015). Collection method: clinical testing. Allele origin: germline.
Comment: This sequence change replaces glutamic acid with glycine at codon 112 of the PRKAG2 protein (p.Glu112Gly). The glutamic acid residue is moderately conserved and there is a moderate physicochemical difference between glutamic acid and glycine. This variant is not present in population databases (ExAC no frequency). This variant has not been reported in the literature in individuals affected with PRKAG2-related conditions. Algorithms developed to predict the effect of missense changes on protein structure and function are either unavailable or do not agree on the potential impact of this missense change (SIFT: "Tolerated"; PolyPhen-2: "Possibly Damaging"; Align-GVGD: "Class C0"). In summary, the available evidence is currently insufficient to determine the role of this variant in disease. Therefore, it has been classified as a Variant of Uncertain Significance.

NM_016203.4(PRKAG2):c.335A>G (p.Glu112Gly)

Gene: PRKAG2 (protein kinase AMP-activated non-catalytic subunit gamma 2; minus strand). Cytogenetic location: 7q36.1.
Variant type: single nucleotide variant.
Coding change: c.335A>G on transcript NM_016203.4 (MANE Select); coding-DNA position 335, A replaced by G.
Protein change: p.Glu112Gly; replaces glutamic acid 112 with glycine.
Molecular consequence: missense variant.
Genome position (GRCh38, 1-based): chr7:151,781,283, T>C on the plus strand (A>G on the coding strand, the complement: PRKAG2 is on the minus strand). VCF-style: chr7-151781283-T-C. GRCh37 (hg19) VCF-style: chr7-151478369-T-C.
Other names: c.203A>G, p.Glu68Gly (NM_001040633.2); short protein forms E112G, E68G.
Identifiers: ClinVar variation 567766 (VCV000567766.6), dbSNP rs1563659108, ClinGen allele CA370069648.